The following is an entry in ClinVar:

ClinVar aggregate classification (germline): Uncertain significance (1 of 4 stars; one submission).

Submission:

Labcorp Genetics (formerly Invitae), Labcorp
Classification: Uncertain significance. Last evaluated: 2023-08-23. Review status: criteria provided, single submitter. Criteria: Invitae Variant Classification Sherloc (09022015). Collection method: clinical testing. Allele origin: germline.
Comment: In summary, the available evidence is currently insufficient to determine the role of this variant in disease. Therefore, it has been classified as a Variant of Uncertain Significance. This sequence change creates a premature translational stop signal (p.Ile51Profs*15) in the ALPK1 gene. It is expected to result in an absent or disrupted protein product. However, the current clinical and genetic evidence is not sufficient to establish whether loss-of-function variants in ALPK1 cause disease. This variant is not present in population databases (gnomAD no frequency). This variant has not been reported in the literature in individuals affected with ALPK1-related conditions.

NM_025144.4(ALPK1):c.146_149dup (p.Ile51fs)

Gene: ALPK1 (alpha kinase 1; plus strand). Cytogenetic location: 4q25.
Variant type: Duplication.
Coding change: c.146_149dup on transcript NM_025144.4 (MANE Select); coding-DNA positions 146 to 149, 4 bases duplicated (CCCT; older notation c.146_149dupCCCT).
Protein change: p.Ile51fs; shifts the reading frame from isoleucine 51.
Molecular consequence: frameshift variant. On other transcripts: intron variant (1).
Genome position (GRCh38, 1-based): chr4:112,382,422-112,382,425, CCCT duplicated. VCF-style (leftmost placement, unchanged base first): chr4-112382421-A-ACCCT. GRCh37 (hg19) VCF-style: chr4-113303577-A-ACCCT.
Other names: c.146_149dup, p.Ile51fs (NM_001102406.2); c.42+4524_42+4527dup (NM_001253884.2); short protein forms I51fs.
Identifiers: ClinVar variation 2754650 (VCV002754650.3), dbSNP rs2476401742, ClinGen allele CA2697546862.